The following is an entry in ClinVar:

ClinVar aggregate classification (germline): Uncertain significance (1 of 4 stars; one submission).

gnomAD v4.1: 2 of 1,612,242 alleles (0.00012%); highest among the groups gnomAD compares: African/African-American, 0.0013%; no homozygotes.

Submission:

Labcorp Genetics (formerly Invitae), Labcorp
Classification: Uncertain significance. Last evaluated: 2024-11-05. Review status: criteria provided, single submitter. Criteria: Invitae Variant Classification Sherloc (09022015). Collection method: clinical testing. Allele origin: germline.
Comment: This sequence change replaces glutamic acid, which is acidic and polar, with lysine, which is basic and polar, at codon 1205 of the LRP5 protein (p.Glu1205Lys). This variant is not present in population databases (gnomAD no frequency). This variant has not been reported in the literature in individuals affected with LRP5-related conditions. ClinVar contains an entry for this variant (Variation ID: 1356100). Invitae Evidence Modeling of protein sequence and biophysical properties (such as structural, functional, and spatial information, amino acid conservation, physicochemical variation, residue mobility, and thermodynamic stability) indicates that this missense variant is not expected to disrupt LRP5 protein function with a negative predictive value of 95%. In summary, the available evidence is currently insufficient to determine the role of this variant in disease. Therefore, it has been classified as a Variant of Uncertain Significance.

NM_002335.4(LRP5):c.3613G>A (p.Glu1205Lys)

Gene: LRP5 (LDL receptor related protein 5; plus strand). Cytogenetic location: 11q13.2.
Variant type: single nucleotide variant.
Coding change: c.3613G>A on transcript NM_002335.4 (MANE Select); coding-DNA position 3613, G replaced by A.
Protein change: p.Glu1205Lys; replaces glutamic acid 1205 with lysine.
Molecular consequence: missense variant.
Genome position (GRCh38, 1-based): chr11:68,426,163, G>A. VCF-style: chr11-68426163-G-A. GRCh37 (hg19) VCF-style: chr11-68193631-G-A.
Other names: c.1870G>A, p.Glu624Lys (NM_001291902.2); short protein forms E624K, E1205K.
Identifiers: ClinVar variation 1356100 (VCV001356100.8), dbSNP rs2153174491, ClinGen allele CA381622049.
Genomic context (GRCh38, chr11:68,426,163, plus strand): 5'-GGGGACAAGCGGACTCGCATCCAGGGCCGTGTCGCCCACCTCACTGGCATCCATGCAGTG[G>A]AGGAAGTCAGCCTGGAGGAGTTCTGTACGTGGGGGCTGGCAGTGGGGTGGGCAGGGTGGC-3'
Protein context (NP_002326.2, residues 1195-1215): VAHLTGIHAV[Glu1205Lys]EVSLEEFSAH